The following is an entry in ClinVar:

ClinVar aggregate classification (germline): Uncertain significance (1 of 4 stars; one submission).

Conditions:
Neuronal ceroid lipofuscinosis 7 (CLN7). Also called: MFSD8-Related Neuronal Ceroid-Lipofuscinosis. Identifiers: Orphanet 168491, Orphanet 228366, MedGen C1838571, MONDO:0012588, OMIM 610951.

Submission:

Labcorp Genetics (formerly Invitae), Labcorp
Classification: Uncertain significance for Neuronal ceroid lipofuscinosis 7. Last evaluated: 2022-09-07. Review status: criteria provided, single submitter. Criteria: Invitae Variant Classification Sherloc (09022015). Collection method: clinical testing. Allele origin: germline.
Comment: This sequence change replaces serine, which is neutral and polar, with leucine, which is neutral and non-polar, at codon 82 of the MFSD8 protein (p.Ser82Leu). This variant is not present in population databases (gnomAD no frequency). This variant has not been reported in the literature in individuals affected with MFSD8-related conditions. ClinVar contains an entry for this variant (Variation ID: 1352839). Algorithms developed to predict the effect of missense changes on protein structure and function (SIFT, PolyPhen-2, Align-GVGD) all suggest that this variant is likely to be tolerated. Algorithms developed to predict the effect of sequence changes on RNA splicing suggest that this variant may disrupt the consensus splice site. In summary, the available evidence is currently insufficient to determine the role of this variant in disease. Therefore, it has been classified as a Variant of Uncertain Significance.

NM_001371596.2(MFSD8):c.245C>T (p.Ser82Leu)

Gene: MFSD8 (major facilitator superfamily domain containing 8; minus strand). Cytogenetic location: 4q28.2.
Variant type: single nucleotide variant.
Coding change: c.245C>T on transcript NM_001371596.2 (MANE Select); coding-DNA position 245, C replaced by T.
Protein change: p.Ser82Leu; replaces serine 82 with leucine.
Molecular consequence: missense variant.
Genome position (GRCh38, 1-based): chr4:127,943,946, G>A on the plus strand (C>T on the coding strand, the complement: MFSD8 is on the minus strand). VCF-style: chr4-127943946-G-A. GRCh37 (hg19) VCF-style: chr4-128865101-G-A.
Other names: c.245C>T, p.Ser82Leu (NM_001363520.3, NM_001363521.3, NM_001371591.2 and 5 more transcripts); c.110C>T, p.Ser37Leu (NM_001371590.2, NM_001371595.1, NM_001410765.1); short protein forms S82L, S37L.
Identifiers: ClinVar variation 1352839 (VCV001352839.6), dbSNP rs2148922530, ClinGen allele CA358177056.